The following is an entry in ClinVar:

ClinVar aggregate classification (germline): Uncertain significance. Review status: criteria provided, multiple submitters, no conflicts (2 of 4 stars). 2 submissions from 2 submitters: Uncertain significance (2). Last evaluated 2022-11-18.

Conditions:
Congenital disorder of glycosylation, type Ii. Also called: ALG2-congenital disorder of glycosylation; ALG2-CDG; CDG Ii. Identifiers: Orphanet 79326, MedGen C1842836, MONDO:0011933, OMIM 607906.
Congenital myasthenic syndrome 14. Also called: Myasthenic syndrome, congenital, 14, with tubular aggregates. Identifiers: Orphanet 353327, Orphanet 590, MedGen C4015597, MONDO:0014543, OMIM 616228.
Inborn genetic diseases. Identifiers: MedGen C0950123, MeSH D030342.

Allele frequency attached by ClinVar (database versions not stated): gnomAD 0.00001; TOPMed 0.00001; gnomAD exomes 0.00001.

Submissions (2):

Ambry Genetics
Classification: Uncertain significance for Inborn genetic diseases. Last evaluated: 2022-11-18. Review status: criteria provided, single submitter. Criteria: Ambry Variant Classification Scheme 2023. Collection method: clinical testing. Allele origin: germline.

Labcorp Genetics (formerly Invitae), Labcorp
Classification: Uncertain significance for Congenital disorder of glycosylation, type Ii; Congenital myasthenic syndrome 14. Last evaluated: 2022-08-16. Review status: criteria provided, single submitter. Criteria: Invitae Variant Classification Sherloc (09022015). Collection method: clinical testing. Allele origin: germline.
Comment: This sequence change replaces threonine, which is neutral and polar, with isoleucine, which is neutral and non-polar, at codon 206 of the ALG2 protein (p.Thr206Ile). This variant is present in population databases (no rsID available, gnomAD 0.003%). This variant has not been reported in the literature in individuals affected with ALG2-related conditions. ClinVar contains an entry for this variant (Variation ID: 1422111). Algorithms developed to predict the effect of missense changes on protein structure and function (SIFT, PolyPhen-2, Align-GVGD) all suggest that this variant is likely to be tolerated. In summary, the available evidence is currently insufficient to determine the role of this variant in disease. Therefore, it has been classified as a Variant of Uncertain Significance.

NM_033087.4(ALG2):c.617C>T (p.Thr206Ile)

Gene: ALG2 (ALG2 alpha-1,3/1,6-mannosyltransferase; minus strand). Cytogenetic location: 9q22.33.
Variant type: single nucleotide variant.
Coding change: c.617C>T on transcript NM_033087.4 (MANE Select); coding-DNA position 617, C replaced by T.
Protein change: p.Thr206Ile; replaces threonine 206 with isoleucine.
Molecular consequence: missense variant. On other transcripts: non-coding transcript variant (1).
Genome position (GRCh38, 1-based): chr9:99,218,568, G>A on the plus strand (C>T on the coding strand, the complement: ALG2 is on the minus strand). VCF-style: chr9-99218568-G-A. GRCh37 (hg19) VCF-style: chr9-101980850-G-A.
Other names: c.617C>T (NM_033087.3); short protein forms T206I.
Identifiers: ClinVar variation 1422111 (VCV001422111.7), dbSNP rs1166295828, ClinGen allele CA374228659.
Genomic context (GRCh38, chr9:99,218,568, plus strand): 5'-AATTTTTTCCCCTTGGGGACTAGGTCATCCAGCTTTTCAGGAACAACTGAGTCAAAGCTG[G>A]TGACATTTAGAGATGGATAGAGGACATCAGGGTCTATGTGAGACAGGGACTTGAATGTTT-3'
Protein context (NP_149078.1, residues 196-216): PDVLYPSLNV[Thr206Ile]SFDSVVPEKL